The following is an entry in ClinVar:

ClinVar aggregate classification (germline): Pathogenic (1 of 4 stars; one submission).

Conditions:
Inborn genetic diseases. Identifiers: MedGen C0950123, MeSH D030342.

Submission:

Ambry Genetics
Classification: Pathogenic for Inborn genetic diseases. Last evaluated: 2025-01-20. Review status: criteria provided, single submitter. Criteria: Ambry Variant Classification Scheme 2023. Collection method: clinical testing. Allele origin: germline.
Comment: The c.1477dupG (p.V493Gfs*4) alteration, located in exon 12 (coding exon 12) of the FBXO11 gene, consists of a duplication of G at position 1477, causing a translational frameshift with a predicted alternate stop codon after 4 amino acids. This alteration is expected to result in loss of function by premature protein truncation or nonsense-mediated mRNA decay. This variant was not reported in population-based cohorts in the Genome Aggregation Database (gnomAD). Based on the available evidence, this alteration is classified as pathogenic.

NM_001190274.2(FBXO11):c.1477dup (p.Val493fs)

Gene: FBXO11 (F-box protein 11; minus strand). Cytogenetic location: 2p16.3.
Variant type: Duplication.
Coding change: c.1477dup on transcript NM_001190274.2 (MANE Select); coding-DNA position 1477, one base duplicated (G; older notation c.1477dupG).
Protein change: p.Val493fs; shifts the reading frame from valine 493.
Molecular consequence: frameshift variant.
Genome position (GRCh38, 1-based): chr2:47,823,282, C duplicated on the plus strand (G on the coding strand, the reverse complement: FBXO11 is on the minus strand); the first of 2 consecutive C bases (chr2:47,823,282-47,823,283); duplicating either gives the same sequence. VCF-style (leftmost placement, unchanged base first): chr2-47823281-A-AC. GRCh37 (hg19) VCF-style: chr2-48050420-A-AC.
Other names: c.1225dup, p.Val409fs (NM_001374325.1, NM_025133.4); short protein forms V409fs, V493fs.
Identifiers: ClinVar variation 3849391 (VCV003849391.1).